The following is an entry in ClinVar:

NM_001382567.1(STIM1):c.580G>T (p.Ala194Ser)

Gene: STIM1 (stromal interaction molecule 1; plus strand). Cytogenetic location: 11p15.4.
Variant type: single nucleotide variant.
Coding change: c.580G>T on transcript NM_001382567.1 (MANE Select); coding-DNA position 580, G replaced by T.
Protein change: p.Ala194Ser; replaces alanine 194 with serine.
Molecular consequence: missense variant. On other transcripts: non-coding transcript variant (3), intron variant (1).
Genome position (GRCh38, 1-based): chr11:4,059,363, G>T. VCF-style: chr11-4059363-G-T. GRCh37 (hg19) VCF-style: chr11-4080593-G-T.
Other names: c.580G>T, p.Ala194Ser (NM_001277961.3, NM_003156.4, NM_001277962.2 and 2 more transcripts); c.358G>T, p.Ala120Ser (NM_001382575.1, NM_001382576.1, NM_001382577.1 and 5 more transcripts); c.91G>T, p.Ala31Ser (NM_001382580.1, NM_001382581.1); c.445G>T, p.Ala149Ser (NM_001382569.1); c.100G>T, p.Ala34Ser (NM_001382571.1); c.386-10663G>T (NM_001382570.1); short protein forms A194S, A120S, A149S, A31S, A34S.
Identifiers: ClinVar variation 648646 (VCV000648646.11), dbSNP rs1371053190, ClinGen allele CA379485862.

ClinVar aggregate classification (germline): Uncertain significance. Review status: criteria provided, multiple submitters, no conflicts (2 of 4 stars). 2 submissions from 2 submitters: Uncertain significance (2). Last evaluated 2024-10-18.

Conditions:
STIM1-related disorder. Also called: STIM1-related condition.
Stormorken syndrome (STRMK). Also called: THROMBOCYTOPATHY, ASPLENIA, AND MIOSIS. Identifiers: Orphanet 3204, MedGen C1861451, MONDO:0008497, OMIM 185070.
Myopathy with tubular aggregates (TAM). Also called: Tubular Aggregate Myopathy. Identifiers: Orphanet 2593, MedGen C0410207, MONDO:0008051.
Combined immunodeficiency due to STIM1 deficiency. Also called: STIM1 DEFICIENCY; IMMUNODEFICIENCY 10. Identifiers: Orphanet 169090, Orphanet 317430, MedGen C2748557, MONDO:0013008, OMIM 612783.

Allele frequency attached by ClinVar (database versions not stated): TOPMed below 0.00001; gnomAD 0.00001; gnomAD exomes 0.00001.
gnomAD v4.1: 9 of 1,613,972 alleles (0.00056%); highest among the groups gnomAD compares: African/African-American, 0.0013%; no homozygotes.

Submissions (2):

PreventionGenetics, part of Exact Sciences
Classification: Uncertain significance for STIM1-related condition. Last evaluated: 2024-10-18. Review status: criteria provided, single submitter. Criteria: ACMG Guidelines, 2015. Collection method: clinical testing. Allele origin: germline.
Comment: The STIM1 c.580G>T variant is predicted to result in the amino acid substitution p.Ala194Ser. To our knowledge, this variant has not been reported in the literature. This variant is reported in 0.0040% of alleles in individuals of African descent in gnomAD. At this time, the clinical significance of this variant is uncertain due to the absence of conclusive functional and genetic evidence.

Labcorp Genetics (formerly Invitae), Labcorp
Classification: Uncertain significance for Myopathy with tubular aggregates; Combined immunodeficiency due to STIM1 deficiency; Stormorken syndrome. Last evaluated: 2024-03-13. Review status: criteria provided, single submitter. Criteria: Invitae Variant Classification Sherloc (09022015). Collection method: clinical testing. Allele origin: germline.
Comment: This sequence change replaces alanine, which is neutral and non-polar, with serine, which is neutral and polar, at codon 194 of the STIM1 protein (p.Ala194Ser). This variant is present in population databases (no rsID available, gnomAD 0.004%). This variant has not been reported in the literature in individuals affected with STIM1-related conditions. ClinVar contains an entry for this variant (Variation ID: 648646). Advanced modeling of protein sequence and biophysical properties (such as structural, functional, and spatial information, amino acid conservation, physicochemical variation, residue mobility, and thermodynamic stability) has been performed at Invitae for this missense variant, however the output from this modeling did not meet the statistical confidence thresholds required to predict the impact of this variant on STIM1 protein function. In summary, the available evidence is currently insufficient to determine the role of this variant in disease. Therefore, it has been classified as a Variant of Uncertain Significance.